The following is an entry in ClinVar:

NM_003334.4(UBA1):c.1742-18G>A

Gene: UBA1 (ubiquitin like modifier activating enzyme 1; plus strand). Cytogenetic location: Xp11.3.
Variant type: single nucleotide variant.
Coding change: c.1742-18G>A on transcript NM_003334.4 (MANE Select); 18 bases into the intron before coding-DNA position 1742, G replaced by A.
Molecular consequence: intron variant.
Genome position (GRCh38, 1-based): chrX:47,206,230, G>A. VCF-style: chrX-47206230-G-A. GRCh37 (hg19) VCF-style: chrX-47065629-G-A.
Other names: c.1742-18G>A (NM_153280.3).
Identifiers: ClinVar variation 385997 (VCV000385997.10), dbSNP rs5953009, ClinGen allele CA10395995.
Genomic context (GRCh38, chrX:47,206,230, plus strand): 5'-TATATACCAAGAGGGGTGTCCGTCTTTCTGTCCTCTCCTGATGTTTCTTTCCTAGCTCTC[G>A]CTTTGTGCTCCCCACAGGCATGTACATGGACCGCCGCTGTGTCTACTACCGGAAGCCACT-3'

ClinVar aggregate classification (germline): Benign. Review status: criteria provided, multiple submitters, no conflicts (2 of 4 stars). 3 submissions from 3 submitters: Benign (3). Last evaluated 2026-01-27.

Conditions:
Infantile-onset X-linked spinal muscular atrophy. Also called: Spinal Muscular Atrophy, X-Linked Infantile; AMC, DISTAL, X-LINKED; ARTHROGRYPOSIS, X-LINKED, TYPE I; Spinal muscular atrophy, X-linked 2; SPINAL MUSCULAR ATROPHY, X-LINKED LETHAL INFANTILE. Identifiers: Orphanet 1145, MedGen C1844934, MONDO:0010532, OMIM 301830.

Allele frequency attached by ClinVar (database versions not stated): gnomAD exomes 0.00365 and 0.00979; ExAC 0.02040; gnomAD 0.03613 and 0.03846; 1000 Genomes Project 30x 0.03871; 1000 Genomes Project 0.03974; TOPMed 0.04224; ESP Exome Variant Server 0.04394.
gnomAD v4.1: 8,267 of 1,194,446 alleles (0.69%); highest among the groups gnomAD compares: African/African-American, 13%; 347 homozygotes.

Submissions (3):

Labcorp Genetics (formerly Invitae), Labcorp
Classification: Benign for Infantile-onset X-linked spinal muscular atrophy. Last evaluated: 2026-01-27. Review status: criteria provided, single submitter. Criteria: Invitae Variant Classification Sherloc (09022015). Collection method: clinical testing. Allele origin: germline.

GeneDx
Classification: Benign. Last evaluated: 2016-06-08. Review status: criteria provided, single submitter. Criteria: GeneDx Variant Classification (06012015). Collection method: clinical testing. Allele origin: germline. Affected: yes.
Comment: This variant is considered likely benign or benign based on one or more of the following criteria: it is a conservative change, it occurs at a poorly conserved position in the protein, it is predicted to be benign by multiple in silico algorithms, and/or has population frequency not consistent with disease.

Breakthrough Genomics
Classification: Benign. Review status: criteria provided, single submitter. Criteria: ACMG Guidelines, 2015. Collection method: not provided. Allele origin: germline. Inheritance: Other. Affected: yes.